The following is an entry in ClinVar:

ClinVar aggregate classification (germline): Pathogenic. Review status: criteria provided, multiple submitters, no conflicts (2 of 4 stars). 2 submissions from 2 submitters: Pathogenic (2). Last evaluated 2025-11-11.

Conditions:
Mucopolysaccharidosis, MPS-III-A (MPS3A). Also called: HEPARAN SULFATE SULFATASE DEFICIENCY; SANFILIPPO SYNDROME A; SULFAMIDASE DEFICIENCY; MPS III A; Mucopolysaccharidosis type IIIA (Sanfilippo A); Mucopolysaccharidosis, type IIIA. Identifiers: Orphanet 581, Orphanet 79269, MedGen C0086647, MONDO:0009655, OMIM 252900.

Submissions (2):

Myriad Genetics, Inc.
Classification: Pathogenic for Mucopolysaccharidosis, MPS-III-A. Last evaluated: 2025-11-11. Review status: criteria provided, single submitter. Criteria: Myriad Autosomal Dominant, Autosomal Recessive and X-Linked Classification Criteria (2023). Collection method: clinical testing. Allele origin: unknown.
Comment: NM_000199.3(SGSH):c.578_579delTCinsAA(F193*) is a nonsense variant classified as pathogenic in the context of mucopolysaccharidosis type IIIA. F193* has not been observed in cases with relevant disease. Relevant functional assessments of this variant are not available in the literature. F193* has not been observed in referenced population frequency databases. In summary, NM_000199.3(SGSH):c.578_579delTCinsAA(F193*) is a nonsense variant in a gene where loss of function is a known mechanism of disease and is predicted to disrupt protein function. Please note: this variant was assessed in the context of healthy population screening.

Labcorp Genetics (formerly Invitae), Labcorp
Classification: Pathogenic for Mucopolysaccharidosis, MPS-III-A. Last evaluated: 2021-11-27. Review status: criteria provided, single submitter. Criteria: Invitae Variant Classification Sherloc (09022015). Collection method: clinical testing. Allele origin: germline.
Comment: For these reasons, this variant has been classified as Pathogenic. This variant has not been reported in the literature in individuals affected with SGSH-related conditions. Information on the frequency of this variant in the gnomAD database is not available, as this variant may be reported differently in the database. This sequence change creates a premature translational stop signal (p.Phe193*) in the SGSH gene. It is expected to result in an absent or disrupted protein product. Loss-of-function variants in SGSH are known to be pathogenic (PMID: 11182930, 21204211, 22976768).

Literature cited by the submitters: PubMed 11182930 (cited by Labcorp Genetics (formerly Invitae), Labcorp); PubMed 21204211 (cited by Labcorp Genetics (formerly Invitae), Labcorp); PubMed 22976768 (cited by Labcorp Genetics (formerly Invitae), Labcorp).

NM_000199.5(SGSH):c.578_579delinsAA (p.Phe193Ter)

Gene: SGSH (N-sulfoglucosamine sulfohydrolase; minus strand). Cytogenetic location: 17q25.3.
Variant type: Indel.
Coding change: c.578_579delinsAA on transcript NM_000199.5 (MANE Select); coding-DNA positions 578 to 579, TC replaced by AA.
Protein change: p.Phe193Ter; replaces phenylalanine 193 with a stop codon.
Molecular consequence: nonsense. On other transcripts: non-coding transcript variant (1).
Genome position (GRCh38, 1-based): chr17:80,214,256-80,214,257, GA replaced by TT on the plus strand (TC replaced by AA on the coding strand, the reverse complement: SGSH is on the minus strand). VCF-style: chr17-80214256-GA-TT. GRCh37 (hg19) VCF-style: chr17-78188055-GA-TT.
Other names: c.578_579delinsAA, p.Phe193Ter (NM_001352921.3, NM_001352922.2); short protein forms F193*.
Identifiers: ClinVar variation 1968702 (VCV001968702.6), dbSNP rs2510890611, ClinGen allele CA2580095325.